The following is an entry in ClinVar:

NM_000096.4(CP):c.1401C>G (p.Asn467Lys)

Gene: CP (ceruloplasmin; minus strand). Cytogenetic location: 3q24.
Variant type: single nucleotide variant.
Coding change: c.1401C>G on transcript NM_000096.4 (MANE Select); coding-DNA position 1401, C replaced by G.
Protein change: p.Asn467Lys; replaces asparagine 467 with lysine.
Molecular consequence: missense variant. On other transcripts: non-coding transcript variant (1).
Genome position (GRCh38, 1-based): chr3:149,199,812, G>C on the plus strand (C>G on the coding strand, the complement: CP is on the minus strand). VCF-style: chr3-149199812-G-C. GRCh37 (hg19) VCF-style: chr3-148917599-G-C.
Other names: short protein forms N467K.
Identifiers: ClinVar variation 2098298 (VCV002098298.4), dbSNP rs1727178111, ClinGen allele CA354908923.

ClinVar aggregate classification (germline): Uncertain significance (1 of 4 stars; one submission).

Conditions:
Deficiency of ferroxidase (ACEP). Also called: Ceruloplasmin deficiency; Familial apoceruloplasmin deficiency; Hereditary ceruloplasmin deficiency; NEURODEGENERATION WITH BRAIN IRON ACCUMULATION 10; Deficiency of ceruloplasmin; Aceruloplasminemia. Identifiers: Orphanet 48818, MedGen C0878682, MONDO:0011426, OMIM 604290, HP:0025498.

gnomAD v4.1: 1 of 1,614,100 alleles (0.000062%); highest among the groups gnomAD compares: Non-Finnish European, 0.000085%; no homozygotes.

Submission:

Labcorp Genetics (formerly Invitae), Labcorp
Classification: Uncertain significance for Deficiency of ferroxidase. Last evaluated: 2022-08-09. Review status: criteria provided, single submitter. Criteria: Invitae Variant Classification Sherloc (09022015). Collection method: clinical testing. Allele origin: germline.
Comment: In summary, the available evidence is currently insufficient to determine the role of this variant in disease. Therefore, it has been classified as a Variant of Uncertain Significance. Advanced modeling of protein sequence and biophysical properties (such as structural, functional, and spatial information, amino acid conservation, physicochemical variation, residue mobility, and thermodynamic stability) performed at Invitae indicates that this missense variant is expected to disrupt CP protein function. This variant has not been reported in the literature in individuals affected with CP-related conditions. This variant is not present in population databases (gnomAD no frequency). This sequence change replaces asparagine, which is neutral and polar, with lysine, which is basic and polar, at codon 467 of the CP protein (p.Asn467Lys).